The following is an entry in ClinVar:

NM_001127178.3(PIGG):c.361-8G>T

Gene: PIGG (phosphatidylinositol glycan anchor biosynthesis class G (EMM blood group); plus strand). Cytogenetic location: 4p16.3.
Variant type: single nucleotide variant.
Coding change: c.361-8G>T on transcript NM_001127178.3 (MANE Select); 8 bases into the intron before coding-DNA position 361, G replaced by T.
Molecular consequence: intron variant.
Genome position (GRCh38, 1-based): chr4:505,710, G>T. VCF-style: chr4-505710-G-T. GRCh37 (hg19) VCF-style: chr4-499499-G-T.
Other names: c.-852-8G>T (NM_001345994.2); c.94-8G>T (NM_001345986.2, NM_001345987.2, NM_001289051.2 and 2 more transcripts); c.-1127-8G>T (NM_001345991.2); c.-527-8G>T (NM_001345988.2); c.-1265-8G>T (NM_001345990.2); c.361-8G>T (NM_017733.5, NM_001345989.2); c.361-3119G>T (NM_001289052.2); c.-6-8G>T (NM_001289055.2).
Identifiers: ClinVar variation 779832 (VCV000779832.12), dbSNP rs575862015, ClinGen allele CA2792985.

ClinVar aggregate classification (germline): Benign/Likely benign. Review status: criteria provided, multiple submitters, no conflicts (2 of 4 stars). 3 submissions from 3 submitters: Benign (1); Likely benign (2). Last evaluated 2026-07-01.

Conditions:
Intellectual disability, autosomal recessive 53 (NEDHSCA). Also called: NEURODEVELOPMENTAL DISORDER WITH OR WITHOUT HYPOTONIA, SEIZURES, AND CEREBELLAR ATROPHY; GLYCOSYLPHOSPHATIDYLINOSITOL BIOSYNTHESIS DEFECT 13; Mental retardation, autosomal recessive 53. Identifiers: Orphanet 488635, MedGen C4310794, MONDO:0014832, OMIM 616917.

Allele frequency attached by ClinVar (database versions not stated): gnomAD 0.00004 and 0.00018; TOPMed 0.00006; 1000 Genomes Project 30x 0.00031; 1000 Genomes Project 0.00040; gnomAD exomes 0.00041 and 0.00070; ExAC 0.00073.

Submissions (3):

CeGaT Center for Human Genetics Tuebingen
Classification: Likely benign. Last evaluated: 2026-07-01. Review status: criteria provided, single submitter. Criteria: CeGaT Center For Human Genetics Tuebingen Variant Classification Criteria Version 2. Collection method: clinical testing. Allele origin: germline. Affected: yes. Observed: 1 variant allele.
Comment: PIGG: BP4, BS1

Labcorp Genetics (formerly Invitae), Labcorp
Classification: Benign for Intellectual disability, autosomal recessive 53. Last evaluated: 2025-12-03. Review status: criteria provided, single submitter. Criteria: Invitae Variant Classification Sherloc (09022015). Collection method: clinical testing. Allele origin: germline.

Blueprint Genetics
Classification: Likely benign. Last evaluated: 2024-04-29. Review status: criteria provided, single submitter. Criteria: ACMG Guidelines, 2015. Collection method: clinical testing. Allele origin: germline.